The following is an entry in ClinVar:

ClinVar aggregate classification (germline): Uncertain significance (1 of 4 stars; one submission).

gnomAD v4.1: 1 of 1,612,518 alleles (0.000062%); highest among the groups gnomAD compares: Non-Finnish European, 0.000085%; no homozygotes.

Submission:

Mayo Clinic Laboratories, Mayo Clinic
Classification: Uncertain significance. Last evaluated: 2025-03-21. Review status: criteria provided, single submitter. Criteria: ACMG Guidelines, 2015. Collection method: clinical testing. Allele origin: germline. Observed: 1 variant allele.
Comment: PM2_supporting

NM_139027.6(ADAMTS13):c.2422T>C (p.Trp808Arg)

Gene: ADAMTS13 (ADAM metallopeptidase with thrombospondin type 1 motif 13; plus strand). Cytogenetic location: 9q34.2.
Variant type: single nucleotide variant.
Coding change: c.2422T>C on transcript NM_139027.6 (MANE Select); coding-DNA position 2422, T replaced by C.
Protein change: p.Trp808Arg; replaces tryptophan 808 with arginine.
Molecular consequence: missense variant. On other transcripts: non-coding transcript variant (1).
Genome position (GRCh38, 1-based): chr9:133,444,864, T>C. VCF-style: chr9-133444864-T-C. GRCh37 (hg19) VCF-style: chr9-136309985-T-C.
Other names: p.Trp808Arg; c.2422T>C, p.Trp808Arg (NM_139025.5); c.2329T>C, p.Trp777Arg (NM_139026.6); short protein forms W777R, W808R.
Identifiers: ClinVar variation 4541507 (VCV004541507.1).
Genomic context (GRCh38, chr9:133,444,864, plus strand): 5'-CTATACCTTCCCCTGGGTGGCAGAGGCAGGGCCTGATGACTGTCTCATGCCATCCTCAGG[T>C]GGGAGGTGTCAGAGCCCAGCTCATGCACATCAGCTGGTGGAGCAGGCCTGGCCTTGGAGA-3'
Protein context (NP_620596.2, residues 798-818): TCNPQPCPAR[Trp808Arg]EVSEPSSCTS